The following is an entry in ClinVar:

ClinVar aggregate classification (germline): Uncertain significance (1 of 4 stars; one submission).

Conditions:
DOCK2 deficiency. Also called: Immunodeficiency 40. Identifiers: Orphanet 447737, MedGen C4225328, MONDO:0014637, OMIM 616433.

Allele frequency attached by ClinVar (database versions not stated): ExAC 0.00001; gnomAD exomes 0.00001 and 0.00002; gnomAD 0.00002 and 0.00003; TOPMed 0.00002.
gnomAD v4.1: 32 of 1,613,986 alleles (0.002%); highest among the groups gnomAD compares: African/African-American, 0.0027%; no homozygotes.

Submission:

Labcorp Genetics (formerly Invitae), Labcorp
Classification: Uncertain significance for DOCK2 deficiency. Last evaluated: 2022-08-19. Review status: criteria provided, single submitter. Criteria: Invitae Variant Classification Sherloc (09022015). Collection method: clinical testing. Allele origin: germline.
Comment: This sequence change replaces isoleucine, which is neutral and non-polar, with valine, which is neutral and non-polar, at codon 333 of the DOCK2 protein (p.Ile333Val). This variant is present in population databases (rs771697756, gnomAD 0.004%). This variant has not been reported in the literature in individuals affected with DOCK2-related conditions. ClinVar contains an entry for this variant (Variation ID: 1444380). Algorithms developed to predict the effect of missense changes on protein structure and function output the following: SIFT: "Tolerated"; PolyPhen-2: "Benign"; Align-GVGD: "Class C0". The valine amino acid residue is found in multiple mammalian species, which suggests that this missense change does not adversely affect protein function. In summary, the available evidence is currently insufficient to determine the role of this variant in disease. Therefore, it has been classified as a Variant of Uncertain Significance.

NM_004946.3(DOCK2):c.997A>G (p.Ile333Val)

Gene: DOCK2 (dedicator of cytokinesis 2; plus strand). Cytogenetic location: 5q35.1.
Variant type: single nucleotide variant.
Coding change: c.997A>G on transcript NM_004946.3 (MANE Select); coding-DNA position 997, A replaced by G.
Protein change: p.Ile333Val; replaces isoleucine 333 with valine.
Molecular consequence: missense variant. On other transcripts: non-coding transcript variant (1).
Genome position (GRCh38, 1-based): chr5:169,698,391, A>G. VCF-style: chr5-169698391-A-G. GRCh37 (hg19) VCF-style: chr5-169125395-A-G.
Other names: short protein forms I333V.
Identifiers: ClinVar variation 1444380 (VCV001444380.6), dbSNP rs771697756, ClinGen allele CA3553332.
Genomic context (GRCh38, chr5:169,698,391, plus strand): 5'-CAGGAAGAAGTTAAACCATTAATTCATTCTGTCTTCTTTCTAGTTATGGATATAACAGAC[A>G]TCATCAAGGGGAAAGCAGAGAGTGATGAAGAAAAGCAGCACTTCATTCCTTTTCACCCGT-3'
Protein context (NP_004937.1, residues 323-343): FGVAVMDITD[Ile333Val]IKGKAESDEE